The following is an entry in ClinVar:

ClinVar aggregate classification (germline): Likely benign. Review status: criteria provided, single submitter (1 of 4 stars). 2 submissions from 2 submitters: Likely benign (1). 1 of the submissions does not count toward it. Last evaluated 2023-11-12.

Conditions:
Fanconi-Bickel syndrome (FBS). Also called: PSEUDO-PHLORIZIN DIABETES; FANCONI SYNDROME WITH INTESTINAL MALABSORPTION AND GALACTOSE INTOLERANCE; HEPATIC GLYCOGENOSIS WITH AMINO ACIDURIA AND GLUCOSURIA; HEPATIC GLYCOGENOSIS WITH FANCONI NEPHROPATHY; HEPATORENAL GLYCOGENOSIS WITH RENAL FANCONI SYNDROME; Glycogen storage disease due to GLUT2 deficiency. Identifiers: Orphanet 2088, MedGen C3495427, MONDO:0009216, OMIM 227810.
SLC2A2-related disorder. Also called: SLC2A2-related condition.

Allele frequency attached by ClinVar (database versions not stated): TOPMed 0.00002; gnomAD 0.00007; ExAC 0.00009; gnomAD exomes 0.00009; 1000 Genomes Project 0.00020; 1000 Genomes Project 30x 0.00031.
gnomAD v4.1: 98 of 1,613,796 alleles (0.0061%); highest among the groups gnomAD compares: Admixed American, 0.013%; no homozygotes.

Submissions (2):

Labcorp Genetics (formerly Invitae), Labcorp
Classification: Likely benign for Fanconi-Bickel syndrome. Last evaluated: 2023-11-12. Review status: criteria provided, single submitter. Criteria: Invitae Variant Classification Sherloc (09022015). Collection method: clinical testing. Allele origin: germline.

PreventionGenetics, part of Exact Sciences
Classification: Likely benign for SLC2A2-related condition. Last evaluated: 2023-07-28. Review status: no assertion criteria provided. Collection method: clinical testing. Allele origin: germline. Not counted in ClinVar's aggregate classification.
Comment: This variant is classified as likely benign based on ACMG/AMP sequence variant interpretation guidelines (Richards et al. 2015 PMID: 25741868, with internal and published modifications).

NM_000340.2(SLC2A2):c.1269G>T (p.Val423=)

Gene: SLC2A2 (solute carrier family 2 member 2; minus strand). Cytogenetic location: 3q26.2.
Variant type: single nucleotide variant.
Coding change: c.1269G>T on transcript NM_000340.2 (MANE Select); coding-DNA position 1269, G replaced by T.
Protein change: p.Val423=; no amino-acid change (valine 423 retained).
Molecular consequence: synonymous variant.
Genome position (GRCh38, 1-based): chr3:170,998,298, C>A on the plus strand (G>T on the coding strand, the complement: SLC2A2 is on the minus strand). VCF-style: chr3-170998298-C-A. GRCh37 (hg19) VCF-style: chr3-170716087-C-A.
Other names: c.912G>T, p.Val304= (NM_001278658.2); c.750G>T, p.Val250= (NM_001278659.2); c.1269G>T (NM_000340.1).
Identifiers: ClinVar variation 1159157 (VCV001159157.11), dbSNP rs191885528, ClinGen allele CA2702443.